The following is an entry in ClinVar:

ClinVar aggregate classification (germline): Likely pathogenic (1 of 4 stars; one submission).

Conditions:
Autosomal recessive Alport syndrome (ATS2). Also called: COL4A3-Related Nephropathy; COL4A4 Alport Syndrome and Thin Basement Membrane Nephropathy; ALPORT SYNDROME 2, AUTOSOMAL RECESSIVE; Alport syndrome type 2. Identifiers: Orphanet 63, Orphanet 88919, MedGen C4746745, MONDO:0008762, OMIM 203780.

Submission:

Myriad Genetics, Inc.
Classification: Likely pathogenic for Autosomal recessive Alport syndrome. Last evaluated: 2022-02-07. Review status: criteria provided, single submitter. Criteria: Myriad Women's Health Autosomal Recessive and X-Linked Classification Criteria (2021). Collection method: clinical testing. Allele origin: unknown.
Comment: NM_000091.4(COL4A3):c.2591_2592insT(Q864Hfs*3) is expected to be pathogenic in the context of COL4A3-related Alport syndrome. This variant is predicted to lead to an abnormal or absent protein product due to the creation of a premature termination codon in COL4A3, a gene where loss-of-function variants are known to be pathogenic. Please note: this variant was assessed in the context of healthy population screening.

NM_000091.5(COL4A3):c.2591_2592insT (p.Gln864fs)

Genes: COL4A3 (collagen type IV alpha 3 chain; plus strand), MFF-DT (MFF divergent transcript; minus strand). Cytogenetic location: 2q36.3.
Variant type: Insertion.
Coding change: c.2591_2592insT on transcript NM_000091.5 (MANE Select); coding-DNA positions 2591 to 2592, T inserted.
Protein change: p.Gln864fs; shifts the reading frame from glutamine 864.
Molecular consequence: frameshift variant.
Genome position: GRCh38 VCF-style: chr2-227282467-A-AT. GRCh37 (hg19) VCF-style: chr2-228147183-A-AT.
Other names: short protein forms Q864fs.
Identifiers: ClinVar variation 1724348 (VCV001724348.2), dbSNP rs2469770211, ClinGen allele CA2580065899.